The following is an entry in ClinVar:

ClinVar aggregate classification (germline): Pathogenic. Review status: criteria provided, multiple submitters, no conflicts (2 of 4 stars). 2 submissions from 2 submitters: Pathogenic (2). Last evaluated 2025-02-19.

Conditions:
Hereditary cancer-predisposing syndrome. Also called: Hereditary neoplastic syndrome; Tumor predisposition; Hereditary Cancer Syndrome; Neoplastic Syndromes, Hereditary. Identifiers: Orphanet 140162, MedGen C0027672, MeSH D009386, MONDO:0015356.
Familial cancer of breast. Also called: BREAST CANCER, FAMILIAL; hereditary breast carcinoma; Hereditary breast cancer. Identifiers: Orphanet 227535, MedGen C0346153, MONDO:0016419, OMIM 114480. Disease mechanism: loss of function.

Submissions (3):

Ambry Genetics
Classification: Pathogenic for Hereditary cancer-predisposing syndrome. Last evaluated: 2025-02-19. Review status: criteria provided, single submitter. Criteria: Ambry Variant Classification Scheme 2023. Collection method: clinical testing. Allele origin: germline.
Comment: The p.E924* pathogenic mutation (also known as c.2770G>T), located in coding exon 18 of the BRIP1 gene, results from a G to T substitution at nucleotide position 2770. This changes the amino acid from a glutamic acid to a stop codon within coding exon 18. This alteration is expected to result in loss of function by premature protein truncation or nonsense-mediated mRNA decay. As such, this alteration is interpreted as a disease-causing mutation.

Myriad Genetics, Inc.
Classification: Pathogenic for Familial cancer of breast. Last evaluated: 2023-06-07. Review status: criteria provided, single submitter. Criteria: Myriad Autosomal Dominant, Autosomal Recessive and X-Linked Classification Criteria (2023). Collection method: clinical testing. Allele origin: unknown.
Comment: This variant is considered pathogenic. This variant creates a termination codon and is predicted to result in premature protein truncation.

Dr. Peter K. Rogan Lab, Western University
No classification provided (evidence only). Condition: Thyroid cancer, nonmedullary, 1. Review status: no classification provided. Collection method: in vitro. Allele origin: not applicable. Functional consequence: retained intron. Not counted in ClinVar's aggregate classification.

NM_032043.3(BRIP1):c.2770G>T (p.Glu924Ter)

Gene: BRIP1 (BRCA1 interacting DNA helicase 1; minus strand). Cytogenetic location: 17q23.2.
Variant type: single nucleotide variant.
Coding change: c.2770G>T on transcript NM_032043.3 (MANE Select); coding-DNA position 2770, G replaced by T.
Protein change: p.Glu924Ter; replaces glutamic acid 924 with a stop codon.
Molecular consequence: nonsense.
Genome position (GRCh38, 1-based): chr17:61,685,971, C>A on the plus strand (G>T on the coding strand, the complement: BRIP1 is on the minus strand). VCF-style: chr17-61685971-C-A. GRCh37 (hg19) VCF-style: chr17-59763332-C-A.
Other names: NC_000017.10:g.59763332C>A; short protein forms E924*.
Identifiers: ClinVar variation 2584257 (VCV002584257.4), dbSNP rs1555573342, ClinGen allele CA400481570.